The following is an entry in ClinVar:

ClinVar aggregate classification (germline): Likely benign (0 of 4 stars; one submission).

Conditions:
NEK1-related disorder. Also called: NEK1-related condition.

gnomAD v4.1: 5 of 1,611,156 alleles (0.00031%); highest among the groups gnomAD compares: Non-Finnish European, 0.00034%; no homozygotes.

Submission:

PreventionGenetics, part of Exact Sciences
Classification: Likely benign for NEK1-related condition. Last evaluated: 2023-05-11. Review status: no assertion criteria provided. Collection method: clinical testing. Allele origin: germline.
Comment: This variant is classified as likely benign based on ACMG/AMP sequence variant interpretation guidelines (Richards et al. 2015 PMID: 25741868, with internal and published modifications).

NM_001199397.3(NEK1):c.3583+7G>A

Gene: NEK1 (NIMA related kinase 1; minus strand). Cytogenetic location: 4q33.
Variant type: single nucleotide variant.
Coding change: c.3583+7G>A on transcript NM_001199397.3 (MANE Select); 7 bases into the intron after coding-DNA position 3583, G replaced by A.
Molecular consequence: intron variant.
Genome position (GRCh38, 1-based): chr4:169,401,645, C>T on the plus strand (G>A on the coding strand, the complement: NEK1 is on the minus strand). VCF-style: chr4-169401645-C-T. GRCh37 (hg19) VCF-style: chr4-170322796-C-T.
Other names: c.3100+7G>A (NM_001374421.1); c.3448+7G>A (NM_001374420.1); c.3292+7G>A (NM_001199399.3); c.3451+7G>A (NM_001199398.3); c.3499+7G>A (NM_001374419.1, NM_012224.4); c.3367+7G>A (NM_001199400.3); c.3583+7G>A (NM_001374418.1).
Identifiers: ClinVar variation 3355941 (VCV003355941.1).